The following is an entry in ClinVar:

NM_001170629.2(CHD8):c.622G>A (p.Gly208Ser)

Gene: CHD8 (chromodomain helicase DNA binding protein 8; minus strand). Cytogenetic location: 14q11.2.
Variant type: single nucleotide variant.
Coding change: c.622G>A on transcript NM_001170629.2 (MANE Select); coding-DNA position 622, G replaced by A.
Protein change: p.Gly208Ser; replaces glycine 208 with serine.
Molecular consequence: missense variant. On other transcripts: intron variant (1).
Genome position (GRCh38, 1-based): chr14:21,431,022, C>T on the plus strand (G>A on the coding strand, the complement: CHD8 is on the minus strand). VCF-style: chr14-21431022-C-T. GRCh37 (hg19) VCF-style: chr14-21899181-C-T.
Other names: c.6+789G>A (NM_020920.4); short protein forms G208S.
Identifiers: ClinVar variation 422910 (VCV000422910.6), dbSNP rs377359922, ClinGen allele CA7091933.

ClinVar aggregate classification (germline): Conflicting classifications of pathogenicity. Review status: criteria provided, conflicting classifications (1 of 4 stars). 2 submissions from 2 submitters: Uncertain significance (1); Likely benign (1). Last evaluated 2025-11-04.

Allele frequency attached by ClinVar (database versions not stated): ExAC 0.00002; gnomAD exomes 0.00002 and 0.00004; gnomAD 0.00003; TOPMed 0.00003; ESP Exome Variant Server 0.00010.
gnomAD v4.1: 57 of 1,599,304 alleles (0.0036%); highest among the groups gnomAD compares: Non-Finnish European, 0.0042%; no homozygotes.

Submissions (2):

Labcorp Genetics (formerly Invitae), Labcorp
Classification: Likely benign. Last evaluated: 2025-11-04. Review status: criteria provided, single submitter. Criteria: Invitae Variant Classification Sherloc (09022015). Collection method: clinical testing. Allele origin: germline.

GeneDx
Classification: Uncertain significance. Last evaluated: 2016-12-22. Review status: criteria provided, single submitter. Criteria: GeneDx Variant Classification (06012015). Collection method: clinical testing. Allele origin: germline. Affected: yes.
Comment: A variant of uncertain significance has been identified in the CHD8 gene. The G208S variant has not been published as a pathogenic variant, nor has it been reported as a benign variant to our knowledge. It is not observed at a significant frequency in large population cohorts (Lek et al., 2016; 1000 Genomes Consortium et al., 2015; Exome Variant Server). The G208S variant is a non-conservative amino acid substitution, which is likely to impact secondary protein structure as these residues differ in polarity, charge, size and/or other properties. This substitution occurs at a position that is conserved across species. However, in silico analysis is inconsistent in its predictions as to whether or not the G208S variant is damaging to the protein structure/function. Based on the currently available information, it is unclear whether this variant is a pathogenic variant or a rare benign variant.